The following is an entry in ClinVar:

NM_001372044.2(SHANK3):c.2103G>A (p.Thr701=)

Genes: SHANK3 (SH3 and multiple ankyrin repeat domains 3; plus strand), LOC126863188 (CDK7 strongly-dependent group 2 enhancer GRCh37_chr22:51142004-51143203; plus strand). Cytogenetic location: 22q13.33.
Variant type: single nucleotide variant.
Coding change: c.2103G>A on transcript NM_001372044.2 (MANE Select); coding-DNA position 2103, G replaced by A.
Protein change: p.Thr701=; no amino-acid change (threonine 701 retained).
Molecular consequence: synonymous variant.
Genome position (GRCh38, 1-based): chr22:50,704,844, G>A. VCF-style: chr22-50704844-G-A. GRCh37 (hg19) VCF-style: chr22-51143272-G-A.
Other names: NM_001080420.1:c.1926G>A; c.1878G>A (NM_033517.1).
Identifiers: ClinVar variation 1335996 (VCV001335996.7), dbSNP rs778640691, ClinGen allele CA10325678.
Genomic context (GRCh38, chr22:50,704,844, plus strand): 5'-GCTGCAGTATCTCGAGTCGGTGGACGTGGAGGGTGTGGCCTGGAGGGCCGGGCTGCGCAC[G>A]GGAGACTTCCTCATCGAGGTGAGGTCGTTCTGGCCGGTGCTGCCCAGTGGGATGCTGAGC-3'
Protein context (NP_001358973.1, residues 691-711): EGVAWRAGLR[Thr701=]GDFLIEVNGV

ClinVar aggregate classification (germline): Conflicting classifications of pathogenicity. Review status: criteria provided, conflicting classifications (1 of 4 stars). 3 submissions from 3 submitters: Uncertain significance (1); Likely benign (2). Last evaluated 2019-05-28.

Conditions:
Inborn genetic diseases. Identifiers: MedGen C0950123, MeSH D030342.
SHANK3-related disorder. Also called: SHANK3-related condition.

Submissions (3):

PreventionGenetics, part of Exact Sciences
Classification: Likely benign for SHANK3-related condition. Last evaluated: 2019-05-28. Review status: criteria provided, single submitter. Criteria: ACMG Guidelines, 2015. Collection method: clinical testing. Allele origin: germline.
Comment: This variant is classified as likely benign based on ACMG/AMP sequence variant interpretation guidelines (Richards et al. 2015 PMID: 25741868, with internal and published modifications).

Ambry Genetics
Classification: Likely benign for Inborn genetic diseases. Last evaluated: 2019-02-09. Review status: criteria provided, single submitter. Criteria: Ambry Variant Classification Scheme 2023. Collection method: clinical testing. Allele origin: germline.

Genetic Services Laboratory, University of Chicago
Classification: Uncertain significance. Last evaluated: 2017-07-26. Review status: criteria provided, single submitter. Criteria: ACMG Guidelines, 2015. Collection method: clinical testing. Allele origin: germline. Affected: no.